The following is an entry in ClinVar:

ClinVar aggregate classification (germline): Uncertain significance. Review status: criteria provided, multiple submitters, no conflicts (2 of 4 stars). 4 submissions from 4 submitters: Uncertain significance (4). Last evaluated 2025-08-06.

Conditions:
Tuberous sclerosis 1 (TSC1). Identifiers: Orphanet 805, MedGen C1854465, MONDO:0008612, OMIM 191100.
Hereditary cancer-predisposing syndrome. Also called: Hereditary neoplastic syndrome; Neoplastic Syndromes, Hereditary; Tumor predisposition; Hereditary Cancer Syndrome. Identifiers: Orphanet 140162, MedGen C0027672, MeSH D009386, MONDO:0015356.

Allele frequency attached by ClinVar (database versions not stated): TOPMed below 0.00001; gnomAD 0.00001.

Submissions (4):

Labcorp Genetics (formerly Invitae), Labcorp
Classification: Uncertain significance for Tuberous sclerosis 1. Last evaluated: 2025-08-06. Review status: criteria provided, single submitter. Criteria: Invitae Variant Classification Sherloc (09022015). Collection method: clinical testing. Allele origin: germline.
Comment: This sequence change replaces serine, which is neutral and polar, with cysteine, which is neutral and slightly polar, at codon 102 of the TSC1 protein (p.Ser102Cys). This variant is not present in population databases (gnomAD no frequency). This variant has not been reported in the literature in individuals affected with TSC1-related conditions. ClinVar contains an entry for this variant (Variation ID: 466114). Invitae Evidence Modeling of protein sequence and biophysical properties (such as structural, functional, and spatial information, amino acid conservation, physicochemical variation, residue mobility, and thermodynamic stability) indicates that this missense variant is not expected to disrupt TSC1 protein function with a negative predictive value of 95%. In summary, the available evidence is currently insufficient to determine the role of this variant in disease. Therefore, it has been classified as a Variant of Uncertain Significance.

Ambry Genetics
Classification: Uncertain significance for Hereditary cancer-predisposing syndrome. Last evaluated: 2025-02-28. Review status: criteria provided, single submitter. Criteria: Ambry Variant Classification Scheme 2023. Collection method: clinical testing. Allele origin: germline.
Comment: The p.S102C variant (also known as c.305C>G), located in coding exon 3 of the TSC1 gene, results from a C to G substitution at nucleotide position 305. The serine at codon 102 is replaced by cysteine, an amino acid with dissimilar properties. This amino acid position is not well conserved in available vertebrate species. In addition, the in silico prediction for this alteration is inconclusive. Since supporting evidence is limited at this time, the clinical significance of this alteration remains unclear.

GeneDx
Classification: Uncertain significance. Last evaluated: 2023-10-16. Review status: criteria provided, single submitter. Criteria: GeneDx Variant Classification Process June 2021. Collection method: clinical testing. Allele origin: germline. Affected: yes.
Comment: Not observed at significant frequency in large population cohorts (gnomAD); In silico analysis supports that this missense variant does not alter protein structure/function; Has not been previously published as pathogenic or benign to our knowledge

Genome-Nilou Lab
Classification: Uncertain significance for Tuberous sclerosis 1. Last evaluated: 2021-11-07. Review status: criteria provided, single submitter. Criteria: ACMG Guidelines, 2015. Collection method: clinical testing. Allele origin: germline. Affected: no.

NM_000368.5(TSC1):c.305C>G (p.Ser102Cys)

Gene: TSC1 (TSC complex subunit 1; minus strand). Cytogenetic location: 9q34.13.
Variant type: single nucleotide variant.
Coding change: c.305C>G on transcript NM_000368.5 (MANE Select); coding-DNA position 305, C replaced by G.
Protein change: p.Ser102Cys; replaces serine 102 with cysteine.
Molecular consequence: missense variant. On other transcripts: 5 prime UTR variant (1), intron variant (1).
Genome position (GRCh38, 1-based): chr9:132,925,645, G>C on the plus strand (C>G on the coding strand, the complement: TSC1 is on the minus strand). VCF-style: chr9-132925645-G-C. GRCh37 (hg19) VCF-style: chr9-135801032-G-C.
Other names: c.305C>G, p.Ser102Cys (NM_001162426.2); c.-59C>G (NM_001362177.2); c.210+1556C>G (NM_001162427.2); short protein forms S102C.
Identifiers: ClinVar variation 466114 (VCV000466114.16), dbSNP rs1307630727, ClinGen allele CA375374510.